The following is an entry in ClinVar:

ClinVar aggregate classification (germline): Likely benign (0 of 4 stars; one submission).

Conditions:
NCOR2-related disorder. Also called: NCOR2-related condition.

Allele frequency attached by ClinVar (database versions not stated): TOPMed 0.00024; ESP Exome Variant Server 0.00027; ExAC 0.00059; 1000 Genomes Project 0.00060; 1000 Genomes Project 30x 0.00062.
gnomAD v4.1: 434 of 1,518,100 alleles (0.029%); highest among the groups gnomAD compares: East Asian, 0.34%; 1 homozygote.

Submission:

PreventionGenetics, part of Exact Sciences
Classification: Likely benign for NCOR2-related condition. Last evaluated: 2019-08-30. Review status: no assertion criteria provided. Collection method: clinical testing. Allele origin: germline.
Comment: This variant is classified as likely benign based on ACMG/AMP sequence variant interpretation guidelines (Richards et al. 2015 PMID: 25741868, with internal and published modifications).

NM_006312.6(NCOR2):c.5892C>T (p.Ser1964=)

Gene: NCOR2 (nuclear receptor corepressor 2; minus strand). Cytogenetic location: 12q24.31.
Variant type: single nucleotide variant.
Coding change: c.5892C>T on transcript NM_006312.6 (MANE Select); coding-DNA position 5892, C replaced by T.
Protein change: p.Ser1964=; no amino-acid change (serine 1964 retained).
Molecular consequence: synonymous variant.
Genome position (GRCh38, 1-based): chr12:124,336,976, G>A on the plus strand (C>T on the coding strand, the complement: NCOR2 is on the minus strand). VCF-style: chr12-124336976-G-A. GRCh37 (hg19) VCF-style: chr12-124821522-G-A.
Other names: c.5862C>T, p.Ser1954= (NM_001077261.4, NM_001206654.2).
Identifiers: ClinVar variation 3034760 (VCV003034760.2), dbSNP rs376833353, ClinGen allele CA6867724.